The following is an entry in ClinVar:

ClinVar aggregate classification (germline): Uncertain significance (1 of 4 stars; one submission).

Conditions:
Autosomal dominant nonsyndromic hearing loss 65. Also called: Deafness, autosomal dominant 65; TBC1D24-Related Autosomal Dominant Nonsyndromic Hearing Loss (DFNA). Identifiers: Orphanet 90635, MedGen C3892048, MONDO:0014470, OMIM 616044.
Developmental and epileptic encephalopathy, 1 (DEE1). Also called: INFANTILE SPASM SYNDROME, X-LINKED 1; X-linked infantile spasms; West's syndrome; Tonic spasms with clustering, arrest of psychomotor development and hypsarrhythmia on EEG; X-Linked Infantile Spasm Syndrome; OHTAHARA SYNDROME, X-LINKED. Identifiers: MedGen C3463992, MONDO:0010632, OMIM 308350. Disease mechanism: loss of function.

Submission:

Labcorp Genetics (formerly Invitae), Labcorp
Classification: Uncertain significance for Developmental and epileptic encephalopathy, 1; Autosomal dominant nonsyndromic hearing loss 65. Last evaluated: 2025-12-15. Review status: criteria provided, single submitter. Criteria: Invitae Variant Classification Sherloc (09022015). Collection method: clinical testing. Allele origin: germline.
Comment: This sequence change replaces leucine, which is neutral and non-polar, with serine, which is neutral and polar, at codon 333 of the TBC1D24 protein (p.Leu333Ser). This variant is not present in population databases (gnomAD no frequency). This variant has not been reported in the literature in individuals affected with TBC1D24-related conditions. Invitae Evidence Modeling of protein sequence and biophysical properties (such as structural, functional, and spatial information, amino acid conservation, physicochemical variation, residue mobility, and thermodynamic stability) has been performed for this missense variant. However, the output from this modeling did not meet the statistical confidence thresholds required to predict the impact of this variant on TBC1D24 protein function. In summary, the available evidence is currently insufficient to determine the role of this variant in disease. Therefore, it has been classified as a Variant of Uncertain Significance.

NM_001199107.2(TBC1D24):c.998T>C (p.Leu333Ser)

Gene: TBC1D24 (TBC1 domain family member 24; plus strand). Cytogenetic location: 16p13.3.
Variant type: single nucleotide variant.
Coding change: c.998T>C on transcript NM_001199107.2 (MANE Select); coding-DNA position 998, T replaced by C.
Protein change: p.Leu333Ser; replaces leucine 333 with serine.
Molecular consequence: missense variant.
Genome position (GRCh38, 1-based): chr16:2,498,252, T>C. VCF-style: chr16-2498252-T-C. GRCh37 (hg19) VCF-style: chr16-2548253-T-C.
Other names: c.980T>C, p.Leu327Ser (NM_020705.3); short protein forms L327S, L333S.
Identifiers: ClinVar variation 4812441 (VCV004812441.1).